The following is an entry in ClinVar:

ClinVar aggregate classification (germline): Pathogenic (1 of 4 stars; one submission).

Submission:

Labcorp Genetics (formerly Invitae), Labcorp
Classification: Pathogenic. Last evaluated: 2023-06-25. Review status: criteria provided, single submitter. Criteria: Invitae Variant Classification Sherloc (09022015). Collection method: clinical testing. Allele origin: germline.
Comment: For these reasons, this variant has been classified as Pathogenic. Algorithms developed to predict the effect of sequence changes on RNA splicing suggest that this variant may disrupt the consensus splice site. This variant is also known as c.504-2G>T. Disruption of this splice site has been observed in individuals with EFTUD2-related conditions (PMID: 23239648, 23879989). This variant is not present in population databases (gnomAD no frequency). This sequence change affects an acceptor splice site in intron 4 of the EFTUD2 gene. It is expected to disrupt RNA splicing. Variants that disrupt the donor or acceptor splice site typically lead to a loss of protein function (PMID: 16199547), and loss-of-function variants in EFTUD2 are known to be pathogenic (PMID: 24999515, 26507355).

Literature cited by the submitters: PubMed 23239648; PubMed 23879989; PubMed 16199547; PubMed 24999515; PubMed 26507355.

NM_004247.4(EFTUD2):c.351-1G>T

Gene: EFTUD2 (elongation factor Tu GTP binding domain containing 2; minus strand). Cytogenetic location: 17q21.31.
Variant type: single nucleotide variant.
Coding change: c.351-1G>T on transcript NM_004247.4 (MANE Select); the canonical splice acceptor site of the intron before coding-DNA position 351, G replaced by T.
Molecular consequence: splice acceptor variant.
Genome position (GRCh38, 1-based): chr17:44,883,725, C>A on the plus strand (G>T on the coding strand, the complement: EFTUD2 is on the minus strand). VCF-style: chr17-44883725-C-A. GRCh37 (hg19) VCF-style: chr17-42961093-C-A.
Other names: c.246-1G>T (NM_001142605.2); c.351-1G>T (NM_001258354.2, NM_001258353.2).
Identifiers: ClinVar variation 2736603 (VCV002736603.3), dbSNP rs2508834800, ClinGen allele CA399825403.